The following is an entry in ClinVar:

NM_000447.3(PSEN2):c.989G>C (p.Ser330Thr)

Gene: PSEN2 (presenilin 2; plus strand). Cytogenetic location: 1q42.13.
Variant type: single nucleotide variant.
Coding change: c.989G>C on transcript NM_000447.3 (MANE Select); coding-DNA position 989, G replaced by C.
Protein change: p.Ser330Thr; replaces serine 330 with threonine.
Molecular consequence: missense variant.
Genome position (GRCh38, 1-based): chr1:226,891,761, G>C. VCF-style: chr1-226891761-G-C. GRCh37 (hg19) VCF-style: chr1-227079462-G-C.
Other names: c.986G>C, p.Ser329Thr (NM_012486.3); short protein forms S329T, S330T.
Identifiers: ClinVar variation 3068876 (VCV003068876.2), dbSNP rs2527997903, ClinGen allele CA345042869.
Genomic context (GRCh38, chr1:226,891,761, plus strand): 5'-CCTCACGGTGATGACGGACATCTTCTCTTCCTGGACACCCAGAAGAAGACTCCTATGACA[G>C]TTTTGGGGAGCCTTCATACCCCGAAGTCTTTGAGCCTCCCTTGACTGGCTACCCAGGGGA-3'
Protein context (NP_000438.2, residues 320-340): DPEMEEDSYD[Ser330Thr]FGEPSYPEVF

ClinVar aggregate classification (germline): Uncertain significance (1 of 4 stars; one submission).

Submission:

Women's Health and Genetics/Laboratory Corporation of America, LabCorp
Classification: Uncertain significance. Last evaluated: 2024-02-12. Review status: criteria provided, single submitter. Criteria: LabCorp Variant Classification Summary - May 2015. Collection method: clinical testing. Allele origin: germline.
Comment: Variant summary: PSEN2 c.989G>C (p.Ser330Thr) results in a conservative amino acid change in the encoded protein sequence. Three of five in-silico tools predict a benign effect of the variant on protein function. The variant was absent in 251488 control chromosomes (gnomAD). The available data on variant occurrences in the general population are insufficient to allow any conclusion about variant significance. To our knowledge, no occurrence of c.989G>C in individuals affected with Alzheimer Disease 4 and no experimental evidence demonstrating its impact on protein function have been reported. No submitters have cited clinical-significance assessments for this variant to ClinVar. Based on the evidence outlined above, the variant was classified as uncertain significance.